The following is an entry in ClinVar:

ClinVar aggregate classification (germline): Pathogenic (1 of 4 stars; one submission).

Conditions:
Tyrosinemia type I (TYRSN1). Also called: Tyrosinemia type 1; Fumarylacetoacetase deficiency; Deficiency of fumarylacetoacetase; HEPATORENAL TYROSINEMIA; FAH DEFICIENCY. Identifiers: Orphanet 882, MedGen C0268490, MONDO:0010161, OMIM 276700. Disease mechanism: loss of function.

Submission:

Labcorp Genetics (formerly Invitae), Labcorp
Classification: Pathogenic for Tyrosinemia type I. Last evaluated: 2020-09-10. Review status: criteria provided, single submitter. Criteria: Invitae Variant Classification Sherloc (09022015). Collection method: clinical testing. Allele origin: germline.
Comment: This variant is a gross deletion of the genomic region encompassing exon 1 of the FAH gene, which includes the initiator codon. The 5' end of this event is unknown as it extends beyond the assayed region for this gene and therefore may encompass additional genes. The 3' boundary is likely confined to intron 1 of the FAH gene. This is expected to result in an absent or disrupted protein product. This variant has not been reported in the literature in individuals with FAH-related conditions. Loss-of-function variants in FAH are known to be pathogenic (PMID: 9101289, 9633815). For these reasons, this variant has been classified as Pathogenic.

Literature cited by the submitters: PubMed 9101289; PubMed 9633815.

NC_000015.9:g.(?_80445387)_(80445487_?)del

Gene: FAH (fumarylacetoacetate hydrolase; plus strand). Cytogenetic location: 15q25.1.
Variant type: Deletion.
Identifiers: ClinVar variation 1071695 (VCV001071695.4).